The following is an entry in ClinVar:

ClinVar aggregate classification (germline): Uncertain significance (1 of 4 stars; one submission).

Conditions:
Retinitis pigmentosa 35 (RP35). Identifiers: Orphanet 791, MedGen C1853214, MONDO:0012463, OMIM 610282.

Submission:

Pangenia Genomics, Pangenia Inc.
Classification: Uncertain significance for Retinitis pigmentosa 35. Last evaluated: 2021-11-18. Review status: criteria provided, single submitter. Criteria: ACMG Guidelines, 2015. Collection method: research. Allele origin: maternal. Affected: yes. Observed: 1 heterozygote.
Comment: The SEMA4A, c.1064_1065del (p.Lys355Argfs*12) variant is at extremely low frequency in population databases; allele frequency in East Asia population is 0.00005437.

NM_022367.4(SEMA4A):c.1064_1065del (p.Lys355fs)

Gene: SEMA4A (semaphorin 4A; plus strand). Cytogenetic location: 1q22.
Variant type: Deletion.
Coding change: c.1064_1065del on transcript NM_022367.4 (MANE Select); coding-DNA positions 1064 to 1065, 2 bases deleted (AA; older notation c.1064_1065delAA).
Protein change: p.Lys355fs; shifts the reading frame from lysine 355.
Molecular consequence: frameshift variant.
Genome position (GRCh38, 1-based): chr1:156,163,024-156,163,025, AA deleted; deleting any 2 consecutive bases within chr1:156,163,023-156,163,025 gives the same sequence; the c. name uses the placement nearest the transcript's 3' end. VCF-style (leftmost placement, unchanged base first): chr1-156163022-CAA-C. GRCh37 (hg19) VCF-style: chr1-156132813-CAA-C.
Other names: c.1064_1065del, p.Lys355fs (NM_001193300.2, NM_001193301.2, NM_001370567.1); c.668_669del, p.Lys223fs (NM_001193302.2); c.767_768del, p.Lys256fs (NM_001370568.1); c.557_558del, p.Lys186fs (NM_001370569.1, NM_001370571.1); short protein forms K186fs, K223fs, K256fs, K355fs.
Identifiers: ClinVar variation 2500821 (VCV002500821.1), dbSNP rs1489393894, ClinGen allele CA526470858.